The following is an entry in ClinVar:

ClinVar aggregate classification (germline): Uncertain significance (1 of 4 stars; one submission).

gnomAD v4.1: 9 of 764,322 alleles (0.0012%); highest among the groups gnomAD compares: Non-Finnish European, 0.002%; no homozygotes.

Submission:

Women's Health and Genetics/Laboratory Corporation of America, LabCorp
Classification: Uncertain significance. Last evaluated: 2024-01-09. Review status: criteria provided, single submitter. Criteria: LabCorp Variant Classification Summary - May 2015. Collection method: clinical testing. Allele origin: germline.
Comment: Variant summary: HNF1A c.-148C>A is located in the untranslated mRNA region upstream of the initiation codon. The variant allele was found at a frequency of 1.2e-05 in 760170 control chromosomes, predominantly at a frequency of 2e-05 within the Non-Finnish European subpopulation in the gnomAD database. This frequency is comparable to the estimated maximum expected for a pathogenic variant in HNF1A causing Maturity Onset Diabetes Of The Young 3 phenotype (2.5e-05), suggesting that the variant might be benign. To our knowledge, no occurrence of c.-148C>A in individuals affected with Maturity Onset Diabetes Of The Young 3 and no experimental evidence demonstrating its impact on protein function have been reported. No submitters have cited clinical-significance assessments for this variant to ClinVar. Based on the evidence outlined above, the variant was classified as VUS-possibly benign.

NM_000545.8(HNF1A):c.-148C>A

Gene: HNF1A (HNF1 homeobox A; plus strand). Cytogenetic location: 12q24.31.
Variant type: single nucleotide variant.
Coding change: c.-148C>A on transcript NM_000545.8 (MANE Select); 148 bases upstream of the start codon, C replaced by A.
Molecular consequence: 5 prime UTR variant.
Genome position (GRCh38, 1-based): chr12:120,978,621, C>A. VCF-style: chr12-120978621-C-A. GRCh37 (hg19) VCF-style: chr12-121416424-C-A.
Other names: c.-148C>A (NM_001306179.2, NM_001406915.1).
Identifiers: ClinVar variation 3063819 (VCV003063819.1), dbSNP rs1482912375, ClinGen allele CA684441280.